The following is an entry in ClinVar:

NM_002693.3(POLG):c.3509T>G (p.Leu1170Arg)

Gene: POLG (DNA polymerase gamma, catalytic subunit; minus strand). Cytogenetic location: 15q26.1.
Variant type: single nucleotide variant.
Coding change: c.3509T>G on transcript NM_002693.3 (MANE Select); coding-DNA position 3509, T replaced by G.
Protein change: p.Leu1170Arg; replaces leucine 1170 with arginine.
Molecular consequence: missense variant.
Genome position (GRCh38, 1-based): chr15:89,317,510, A>C on the plus strand (T>G on the coding strand, the complement: POLG is on the minus strand). VCF-style: chr15-89317510-A-C. GRCh37 (hg19) VCF-style: chr15-89860741-A-C.
Other names: c.3509T>G, p.Leu1170Arg (NM_001126131.2); short protein forms L1170R.
Identifiers: ClinVar variation 206618 (VCV000206618.14), dbSNP rs796052913, ClinGen allele CA316875.
Genomic context (GRCh38, chr15:89,317,510, plus strand): 5'-CTGAGGCACCGGTCAATATCGACTGCACTGAAAAAGGCGACTGACTGGGGCAAGTCATTC[A>C]GACCCAGCTTGTAGGCAAACATGCACCTGAAAGAGACCCAATCTACTCTCACAGTCATGC-3'
Protein context (NP_002684.1, residues 1160-1180): TRCMFAYKLG[Leu1170Arg]NDLPQSVAFF

ClinVar aggregate classification (germline): Conflicting classifications of pathogenicity. Review status: criteria provided, conflicting classifications (1 of 4 stars). 5 submissions from 5 submitters: Likely pathogenic (1); Uncertain significance (4). Last evaluated 2025-05-27.

Conditions:
Progressive sclerosing poliodystrophy (MTDPS4A). Also called: Alpers-Huttenlocher Syndrome; Mitochondrial DNA Depletion Syndrome 4A; ALPERS PROGRESSIVE INFANTILE POLIODYSTROPHY; ALPERS DIFFUSE DEGENERATION OF CEREBRAL GRAY MATTER WITH HEPATIC CIRRHOSIS; Alpers Syndrome; Alpers-Huttenlocher Syndrome (AHS). Identifiers: Orphanet 726, MedGen C0205710, MONDO:0008758, OMIM 203700.

Allele frequency attached by ClinVar (database versions not stated): gnomAD exomes below 0.00001 and 0.00001; TOPMed below 0.00001.
gnomAD v4.1: 10 of 1,614,162 alleles (0.00062%); highest among the groups gnomAD compares: Admixed American, 0.0033%; no homozygotes.

Submissions (5):

Labcorp Genetics (formerly Invitae), Labcorp
Classification: Uncertain significance for Progressive sclerosing poliodystrophy. Last evaluated: 2025-05-27. Review status: criteria provided, single submitter. Criteria: Invitae Variant Classification Sherloc (09022015). Collection method: clinical testing. Allele origin: germline.
Comment: This sequence change replaces leucine, which is neutral and non-polar, with arginine, which is basic and polar, at codon 1170 of the POLG protein (p.Leu1170Arg). This variant is present in population databases (rs796052913, gnomAD 0.01%). This variant has not been reported in the literature in individuals affected with POLG-related conditions. ClinVar contains an entry for this variant (Variation ID: 206618). Invitae Evidence Modeling of protein sequence and biophysical properties (such as structural, functional, and spatial information, amino acid conservation, physicochemical variation, residue mobility, and thermodynamic stability) indicates that this missense variant is expected to disrupt POLG protein function with a positive predictive value of 95%. In summary, the available evidence is currently insufficient to determine the role of this variant in disease. Therefore, it has been classified as a Variant of Uncertain Significance.

3billion
Classification: Uncertain significance for Progressive sclerosing poliodystrophy. Last evaluated: 2022-09-01. Review status: criteria provided, single submitter. Criteria: ACMG Guidelines, 2015. Collection method: clinical testing. Allele origin: germline. Affected: yes. Observed: 1 heterozygote.
Comment: The variant is observed at an extremely low frequency in the gnomAD v2.1.1 dataset (total allele frequency: <0.001%). In silico tool predictions suggest damaging effect of the variant on gene or gene product (REVEL: 0.89; 3Cnet: 0.87). However, the evidence of pathogenicity is insufficient at this time. Therefore, this variant is classified as uncertain significance according to the recommendation of ACMG/AMP guideline.

Victorian Clinical Genetics Services, Murdoch Childrens Research Institute
Classification: Uncertain significance for Progressive sclerosing poliodystrophy. Last evaluated: 2020-05-21. Review status: criteria provided, single submitter. Criteria: ACMG Guidelines, 2015. Collection method: clinical testing. Allele origin: germline. Affected: yes.
Comment: A heterozygous missense variant was identified, NM_002693.2(POLG):c.3509T>G in exon 22 of the POLG gene. This substitution is predicted to create a major amino acid change from a leucine to an arginine at position 1170 of the protein; NP_002684.1(POLG):p.(Leu1170Arg). The leucine at this position has high conservation (100 vertebrates, UCSC), and is located within the DNA polymerase family A domain (NCBI, PDB). In silico software predicts this variant to be damaging (PolyPhen2, FATHMM, PROVEAN). The variant is present in the gnomAD population database at a frequency of 0.0004% (1 heterozygote, 0 homozygotes). This variant has been reported once as likely pathogenic (ClinVar). Based on information available at the time of curation, this variant has been classified as a VUS with POTENTIAL CLINICAL RELEVANCE. Legend: (P) - Pathogenic, (N) - Neutral, (B) - Benign

Blueprint Genetics
Classification: Uncertain significance. Last evaluated: 2018-12-19. Review status: criteria provided, single submitter. Criteria: ACMG Guidelines, 2015. Collection method: clinical testing. Allele origin: germline.

Wong Mito Lab, Molecular and Human Genetics, Baylor College of Medicine
Classification: Likely pathogenic for Progressive sclerosing poliodystrophy. Last evaluated: 2018-10-01. Review status: criteria provided, single submitter. Criteria: ACMG Guidelines, 2015. Collection method: clinical testing. Allele origin: germline.
Comment: The NM_002693.2:c.3509T>G (NP_002684.1:p.Leu1170Arg) [GRCH38: NC_000015.10:g.89317510A>C] variant in POLG gene is interpretated to be a Likely Pathogenic based on ACMG guidelines (PMID: 25741868). This variant meets the following evidence codes reported in the ACMG-guideline. PM2:This variant is absent in key population databases. PM3:Detected in trans with a pathogenic variant for Mitochondrial DNA depletion syndrome 4A (Alpers type) which is a recessive disorder. PP2:This is a missense variant in POLG with a low rate of benign and high rate of pathogenic missense variations. PP3:Computational evidence/predictors indicate the variant has deleterious effect on POLG structure, function, or protein-protein interaction. PP4:Patient's phenotype or family history is highly specific for POLG. Based on the evidence criteria codes applied, the variant is suggested to be Likely Pathogenic.